The following is an entry in ClinVar:

ClinVar aggregate classification (germline): Pathogenic/Likely pathogenic. Review status: criteria provided, multiple submitters, no conflicts (2 of 4 stars). 3 submissions from 3 submitters: Pathogenic (1); Likely pathogenic (2). Last evaluated 2023-08-11.

Conditions:
SHANK3-related disorder. Also called: SHANK3-related condition.

Submissions (3):

PreventionGenetics, part of Exact Sciences
Classification: Pathogenic for SHANK3-related condition. Last evaluated: 2023-08-11. Review status: criteria provided, single submitter. Criteria: ACMG Guidelines, 2015. Collection method: clinical testing. Allele origin: germline.
Comment: The SHANK3 c.4972C>T variant is predicted to result in premature protein termination (p.Arg1658*). To our knowledge this variant has not been reporting in the literature. This variant has not been reported in a large population database, indicating this variant is rare. Nonsense variants in SHANK3 are expected to be pathogenic. This variant is interpreted as pathogenic.

CeGaT Center for Human Genetics Tuebingen
Classification: Likely pathogenic. Last evaluated: 2020-09-01. Review status: criteria provided, single submitter. Criteria: CeGaT Center For Human Genetics Tuebingen Variant Classification Criteria Version 2. Collection method: clinical testing. Allele origin: germline. Affected: yes. Observed: 1 variant allele.

Clinical Genetics and Genomics, Karolinska University Hospital
Classification: Likely pathogenic. Last evaluated: 2016-11-21. Review status: criteria provided, single submitter. Criteria: ACMG Guidelines, 2015. Collection method: clinical testing. Allele origin: germline. Affected: yes. Observed: 1 variant allele.

NM_001372044.2(SHANK3):c.5197C>T (p.Arg1733Ter)

Gene: SHANK3 (SH3 and multiple ankyrin repeat domains 3; plus strand). Cytogenetic location: 22q13.33.
Variant type: single nucleotide variant.
Coding change: c.5197C>T on transcript NM_001372044.2 (MANE Select); coding-DNA position 5197, C replaced by T.
Protein change: p.Arg1733Ter; replaces arginine 1733 with a stop codon.
Molecular consequence: nonsense.
Genome position (GRCh38, 1-based): chr22:50,731,088, C>T. VCF-style: chr22-50731088-C-T. GRCh37 (hg19) VCF-style: chr22-51169516-C-T.
Other names: NM_001080420.1:c.5020C>T; c.4972C>T (NM_033517.1); short protein forms R1733*.
Identifiers: ClinVar variation 988471 (VCV000988471.39), dbSNP rs2083361357, ClinGen allele CA515267508.
Genomic context (GRCh38, chr22:50,731,088, plus strand): 5'-TCGCCGTCGCCGCTGCCCTCGCCCGCGTCCGGCCCCGGCCCCGGCGCCCCCGGCCCACGC[C>T]GACCCTTCCAGCAGAAGCCGCTGCAGCTCTGGAGCAAGTTCGACGTGGGCGACTGGCTGG-3'